The following is an entry in ClinVar:

NM_000051.4(ATM):c.4801A>T (p.Ser1601Cys)

Gene: ATM (ATM serine/threonine kinase; plus strand). Cytogenetic location: 11q22.3.
Variant type: single nucleotide variant.
Coding change: c.4801A>T on transcript NM_000051.4 (MANE Select); coding-DNA position 4801, A replaced by T.
Protein change: p.Ser1601Cys; replaces serine 1601 with cysteine.
Molecular consequence: missense variant.
Genome position (GRCh38, 1-based): chr11:108,294,951, A>T. VCF-style: chr11-108294951-A-T. GRCh37 (hg19) VCF-style: chr11-108165678-A-T.
Other names: c.4801A>T, p.Ser1601Cys (NM_001351834.2); short protein forms S1601C.
Identifiers: ClinVar variation 3642281 (VCV003642281.2).
Genomic context (GRCh38, chr11:108,294,951, plus strand): 5'-ATACGTGTTAAAAGCAAGTTACATTTTCTCTTTTAGGAAATTAACCATTTTCTCTCAGTA[A>T]GTGTTTATGATGCACTTCCATTGACAAGACTTGAAGGACTAAAGGATCTTCGAAGACAAC-3'
Protein context (NP_000042.3, residues 1591-1611): LEEINHFLSV[Ser1601Cys]VYDALPLTRL

ClinVar aggregate classification (germline): Uncertain significance (1 of 4 stars; one submission).

Conditions:
Ataxia-telangiectasia syndrome (AT). Also called: ATAXIA-TELANGIECTASIA, COMPLEMENTATION GROUP A; ATAXIA-TELANGIECTASIA, FRESNO VARIANT; LOUIS-BAR SYNDROME; Ataxia-telangiectasia, complementation group D; Ataxia-telangiectasia, complementation group E; Cerebello-oculocutaneous telangiectasia. Identifiers: Orphanet 100, MedGen C0004135, MONDO:0008840, OMIM 208900.

Submission:

Labcorp Genetics (formerly Invitae), Labcorp
Classification: Uncertain significance for Ataxia-telangiectasia syndrome. Last evaluated: 2024-02-20. Review status: criteria provided, single submitter. Criteria: Invitae Variant Classification Sherloc (09022015). Collection method: clinical testing. Allele origin: germline.
Comment: This sequence change replaces serine, which is neutral and polar, with cysteine, which is neutral and slightly polar, at codon 1601 of the ATM protein (p.Ser1601Cys). This variant is not present in population databases (gnomAD no frequency). This variant has not been reported in the literature in individuals affected with ATM-related conditions. An algorithm developed to predict the effect of missense changes on protein structure and function (PolyPhen-2) suggests that this variant is likely to be tolerated. In summary, the available evidence is currently insufficient to determine the role of this variant in disease. Therefore, it has been classified as a Variant of Uncertain Significance.